The following is an entry in ClinVar:

ClinVar aggregate classification (germline): Pathogenic/Likely pathogenic. Review status: criteria provided, multiple submitters, no conflicts (2 of 4 stars). 2 submissions from 2 submitters: Pathogenic (1); Likely pathogenic (1). Last evaluated 2024-01-04.

Conditions:
Breast-ovarian cancer, familial, susceptibility to, 4. Identifiers: Orphanet 145, MedGen C3280345, MONDO:0013669, OMIM 614291.

Submissions (2):

Myriad Genetics, Inc.
Classification: Pathogenic for Breast-ovarian cancer, familial, susceptibility to, 4. Last evaluated: 2024-01-04. Review status: criteria provided, single submitter. Criteria: Myriad Autosomal Dominant, Autosomal Recessive and X-Linked Classification Criteria (2023). Collection method: clinical testing. Allele origin: unknown.
Comment: This variant is considered pathogenic. This variant creates a frameshift predicted to result in premature protein truncation.

Baylor Genetics
Classification: Likely pathogenic for Breast-ovarian cancer, familial, susceptibility to, 4. Last evaluated: 2023-02-26. Review status: criteria provided, single submitter. Criteria: ACMG Guidelines, 2015. Collection method: clinical testing. Allele origin: unknown.

NM_002878.4(RAD51D):c.294_295del (p.Thr99fs)

Genes: RAD51L3-RFFL (RAD51L3-RFFL readthrough; minus strand), RAD51D (RAD51 paralog D; minus strand). Cytogenetic location: 17q12.
Variant type: Microsatellite.
Coding change: c.294_295del on transcript NM_002878.4 (MANE Select); coding-DNA positions 294 to 295, 2 bases deleted (TA; older notation c.294_295delTA).
Protein change: p.Thr99fs; shifts the reading frame from threonine 99.
Molecular consequence: frameshift variant. On other transcripts: non-coding transcript variant (2), intron variant (1).
Genome position (GRCh38, 1-based): chr17:35,107,416-35,107,417, TA deleted on the plus strand (TA on the coding strand, the reverse complement: RAD51D is on the minus strand); deleting any 2 consecutive bases within chr17:35,107,416-35,107,419 gives the same sequence; the c. name uses the placement nearest the transcript's 3' end. VCF-style (leftmost placement, unchanged base first): chr17-35107415-GTA-G. GRCh37 (hg19) VCF-style: chr17-33434434-GTA-G.
Other names: c.354_355del, p.Thr119fs (NM_001142571.2); c.145-936_145-935del (NM_133629.3); short protein forms T119fs, T99fs.
Identifiers: ClinVar variation 2678189 (VCV002678189.2), dbSNP rs2509143037, ClinGen allele CA2695201312.
Genomic context (GRCh38, chr17:35,107,415, plus strand): 5'-CTCACATGTACCTGAGTTTTGCCGCTACCTGGGCCTCCTACAATTTCAGTCACTTCTCCA[GTA>G]TAGAGACCAGCATCAAGCAGTTTATCAAGACTGATGGCAGAAGAGAAGAAAATCAACACA-3'